The following is an entry in ClinVar:

NM_001353921.2(ARHGEF9):c.351G>A (p.Glu117=)

Gene: ARHGEF9 (Cdc42 guanine nucleotide exchange factor 9; minus strand). Cytogenetic location: Xq11.1.
Variant type: single nucleotide variant.
Coding change: c.351G>A on transcript NM_001353921.2 (MANE Select); coding-DNA position 351, G replaced by A.
Protein change: p.Glu117=; no amino-acid change (glutamic acid 117 retained).
Molecular consequence: synonymous variant. On other transcripts: 5 prime UTR variant (1).
Genome position (GRCh38, 1-based): chrX:63,706,309, C>T on the plus strand (G>A on the coding strand, the complement: ARHGEF9 is on the minus strand). VCF-style: chrX-63706309-C-T. GRCh37 (hg19) VCF-style: chrX-62926189-C-T.
Other names: c.171G>A, p.Glu57= (NM_001173479.2); c.24G>A, p.Glu8= (NM_001173480.2, NM_001369042.1); c.267G>A, p.Glu89= (NM_001330495.2, NM_001353927.2, NM_001369033.1 and 8 more transcripts); c.351G>A, p.Glu117= (NM_001353922.2); c.369G>A, p.Glu123= (NM_001353923.1); c.150G>A, p.Glu50= (NM_001353924.2, NM_001353926.2, NM_001369039.1 and 1 more transcripts); c.330G>A, p.Glu110= (NM_001353928.2, NM_001369030.1, NM_001369031.1 and 2 more transcripts); c.-353G>A (NM_001369045.1).
Identifiers: ClinVar variation 465080 (VCV000465080.22), dbSNP rs373866956, ClinGen allele CA10431965.
Genomic context (GRCh38, chrX:63,706,309, plus strand): 5'-CATGGTTACCTCACAAATATCCTTGAGGTGCTTGATGTAGTGACGCTCAGTGCTCATTAT[C>T]TCATTGATGACATTGGCCCGCATCTGGTCCCGGTTCTGTAGTGGCCGCCCCAGACAGAGG-3'
Protein context (NP_001340850.1, residues 107-127): RDQMRANVIN[Glu117=]IMSTERHYIK

ClinVar aggregate classification (germline): Conflicting classifications of pathogenicity. Review status: criteria provided, conflicting classifications (1 of 4 stars). 6 submissions from 6 submitters: Uncertain significance (1); Likely benign (5). Last evaluated 2026-08-01.

Conditions:
Inborn genetic diseases. Identifiers: MedGen C0950123, MeSH D030342.
Developmental and epileptic encephalopathy, 8 (DEE8). Also called: HYPEREKPLEXIA AND EPILEPSY. Identifiers: Orphanet 163985, Orphanet 2076, MedGen C1845102, MONDO:0010375, OMIM 300607.

Allele frequency attached by ClinVar (database versions not stated): gnomAD exomes 0.00002 and 0.00006; gnomAD 0.00005 and 0.00006; TOPMed 0.00008; ExAC 0.00012.
gnomAD v4.1: 46 of 1,204,439 alleles (0.0038%); highest among the groups gnomAD compares: East Asian, 0.063%; no homozygotes.

Submissions (6):

CeGaT Center for Human Genetics Tuebingen
Classification: Likely benign. Last evaluated: 2026-08-01. Review status: criteria provided, single submitter. Criteria: CeGaT Center For Human Genetics Tuebingen Variant Classification Criteria Version 2. Collection method: clinical testing. Allele origin: germline. Affected: yes. Observed: 1 variant allele.
Comment: ARHGEF9: BP4, BP7, BS2

Labcorp Genetics (formerly Invitae), Labcorp
Classification: Likely benign for Developmental and epileptic encephalopathy, 8. Last evaluated: 2025-12-31. Review status: criteria provided, single submitter. Criteria: Invitae Variant Classification Sherloc (09022015). Collection method: clinical testing. Allele origin: germline.

Blueprint Genetics
Classification: Likely benign. Last evaluated: 2024-11-28. Review status: criteria provided, single submitter. Criteria: ACMG Guidelines, 2015. Collection method: clinical testing. Allele origin: germline.

GeneDx
Classification: Likely benign. Last evaluated: 2017-02-17. Review status: criteria provided, single submitter. Criteria: GeneDx Variant Classification (06012015). Collection method: clinical testing. Allele origin: germline. Affected: yes.
Comment: This variant is considered likely benign or benign based on one or more of the following criteria: it is a conservative change, it occurs at a poorly conserved position in the protein, it is predicted to be benign by multiple in silico algorithms, and/or has population frequency not consistent with disease.

Ambry Genetics
Classification: Likely benign for Inborn genetic diseases. Last evaluated: 2017-02-07. Review status: criteria provided, single submitter. Criteria: Ambry Variant Classification Scheme 2023. Collection method: clinical testing. Allele origin: germline.

Eurofins Ntd Llc (ga)
Classification: Uncertain significance. Last evaluated: 2016-09-30. Review status: criteria provided, single submitter. Criteria: EGL Classification Definitions 2015. Collection method: clinical testing. Allele origin: germline. Observed: 1 variant allele, 1 hemizygote.